The following is an entry in ClinVar:

ClinVar aggregate classification (germline): Uncertain significance (1 of 4 stars; one submission).

Conditions:
Hereditary diffuse gastric adenocarcinoma (HDGC). Also called: DIFFUSE GASTRIC AND LOBULAR BREAST CANCER SYNDROME. Identifiers: Orphanet 26106, MedGen C1708349, MONDO:0007648, OMIM 137215.

Submission:

Labcorp Genetics (formerly Invitae), Labcorp
Classification: Uncertain significance for Hereditary diffuse gastric adenocarcinoma. Last evaluated: 2024-04-22. Review status: criteria provided, single submitter. Criteria: Invitae Variant Classification Sherloc (09022015). Collection method: clinical testing. Allele origin: germline.
Comment: This sequence change replaces glutamic acid, which is acidic and polar, with lysine, which is basic and polar, at codon 494 of the CDH1 protein (p.Glu494Lys). This variant is not present in population databases (gnomAD no frequency). This variant has not been reported in the literature in individuals affected with CDH1-related conditions. An algorithm developed to predict the effect of missense changes on protein structure and function (PolyPhen-2) suggests that this variant is likely to be tolerated. In summary, the available evidence is currently insufficient to determine the role of this variant in disease. Therefore, it has been classified as a Variant of Uncertain Significance.

NM_004360.5(CDH1):c.1480G>A (p.Glu494Lys)

Gene: CDH1 (cadherin 1; plus strand). Cytogenetic location: 16q22.1.
Variant type: single nucleotide variant.
Coding change: c.1480G>A on transcript NM_004360.5 (MANE Select); coding-DNA position 1480, G replaced by A.
Protein change: p.Glu494Lys; replaces glutamic acid 494 with lysine.
Molecular consequence: missense variant. On other transcripts: 5 prime UTR variant (2).
Genome position (GRCh38, 1-based): chr16:68,815,674, G>A. VCF-style: chr16-68815674-G-A. GRCh37 (hg19) VCF-style: chr16-68849577-G-A.
Other names: c.1297G>A, p.Glu433Lys (NM_001317184.2); c.-69G>A (NM_001317185.2); c.-340G>A (NM_001317186.2); short protein forms E494K, E433K.
Identifiers: ClinVar variation 2704675 (VCV002704675.3), dbSNP rs778871891, ClinGen allele CA396463168.